The following is an entry in ClinVar:

NM_007254.4(PNKP):c.1091G>A (p.Ser364Asn)

Gene: PNKP (polynucleotide kinase 3'-phosphatase; minus strand). Cytogenetic location: 19q13.33.
Variant type: single nucleotide variant.
Coding change: c.1091G>A on transcript NM_007254.4 (MANE Select); coding-DNA position 1091, G replaced by A.
Protein change: p.Ser364Asn; replaces serine 364 with asparagine.
Molecular consequence: missense variant.
Genome position (GRCh38, 1-based): chr19:49,862,220, C>T on the plus strand (G>A on the coding strand, the complement: PNKP is on the minus strand). VCF-style: chr19-49862220-C-T. GRCh37 (hg19) VCF-style: chr19-50365477-C-T.
Other names: short protein forms S364N.
Identifiers: ClinVar variation 839982 (VCV000839982.8), dbSNP rs1473117442, ClinGen allele CA406879734.

ClinVar aggregate classification (germline): Uncertain significance. Review status: criteria provided, multiple submitters, no conflicts (2 of 4 stars). 2 submissions from 2 submitters: Uncertain significance (2). Last evaluated 2022-10-17.

Conditions:
Developmental and epileptic encephalopathy, 12 (DEE12). Identifiers: MedGen C3150988, MONDO:0013389, OMIM 613722.
Ataxia - oculomotor apraxia type 4. Identifiers: Orphanet 459033, MedGen C4225397, MONDO:0014557, OMIM 616267.

Allele frequency attached by ClinVar (database versions not stated): gnomAD exomes below 0.00001.
gnomAD v4.1: 1 of 1,613,140 alleles (0.000062%); highest among the groups gnomAD compares: Admixed American, 0.0017%; no homozygotes.

Submissions (2):

Labcorp Genetics (formerly Invitae), Labcorp
Classification: Uncertain significance for Developmental and epileptic encephalopathy, 12. Last evaluated: 2022-10-17. Review status: criteria provided, single submitter. Criteria: Invitae Variant Classification Sherloc (09022015). Collection method: clinical testing. Allele origin: germline.
Comment: This sequence change replaces serine, which is neutral and polar, with asparagine, which is neutral and polar, at codon 364 of the PNKP protein (p.Ser364Asn). The frequency data for this variant in the population databases is considered unreliable, as metrics indicate poor data quality at this position in the gnomAD database. This variant has not been reported in the literature in individuals affected with PNKP-related conditions. ClinVar contains an entry for this variant (Variation ID: 839982). Advanced modeling of protein sequence and biophysical properties (such as structural, functional, and spatial information, amino acid conservation, physicochemical variation, residue mobility, and thermodynamic stability) performed at Invitae indicates that this missense variant is not expected to disrupt PNKP protein function. In summary, the available evidence is currently insufficient to determine the role of this variant in disease. Therefore, it has been classified as a Variant of Uncertain Significance.

Baylor Genetics
Classification: Uncertain significance for Ataxia - oculomotor apraxia type 4. Last evaluated: 2018-03-25. Review status: criteria provided, single submitter. Criteria: ACMG Guidelines, 2015. Collection method: clinical testing. Allele origin: maternal. Affected: yes.
Comment: This variant was determined to be of uncertain significance according to ACMG Guidelines, 2015 [PMID:25741868].